The following is an entry in ClinVar:

NM_020547.3(AMHR2):c.128dup (p.Asp44fs)

Gene: AMHR2 (anti-Mullerian hormone receptor type 2; plus strand). Cytogenetic location: 12q13.13.
Variant type: Duplication.
Coding change: c.128dup on transcript NM_020547.3 (MANE Select); coding-DNA position 128, one base duplicated (T; older notation c.128dupT).
Protein change: p.Asp44fs; shifts the reading frame from aspartic acid 44.
Molecular consequence: frameshift variant.
Genome position (GRCh38, 1-based): chr12:53,424,366, T duplicated. VCF-style (leftmost placement, unchanged base first): chr12-53424365-C-CT. GRCh37 (hg19) VCF-style: chr12-53818149-C-CT.
Other names: c.128dup, p.Asp44fs (NM_001164690.2, NM_001164691.2); short protein forms D44fs.
Identifiers: ClinVar variation 1076254 (VCV001076254.2), dbSNP rs1565829821, ClinGen allele CA605118994.
Genomic context (GRCh38, chr12:53,424,365, plus strand): 5'-ACCTGTGTGTTCTTTGAGGCCCCTGGAGTGCGGGGAAGCACAAAGACACTGGGAGAGCTG[C>CT]TAGATACAGGCACAGAGCTCCCCAGAGCTATCCGCTGCCTCTACAGCCGCTGCTGCTTTG-3'

ClinVar aggregate classification (germline): Pathogenic (1 of 4 stars; one submission).

Allele frequency attached by ClinVar (database versions not stated): TOPMed below 0.00001; gnomAD exomes 0.00001 and 0.00002.

Submission:

Labcorp Genetics (formerly Invitae), Labcorp
Classification: Pathogenic. Last evaluated: 2018-03-20. Review status: criteria provided, single submitter. Criteria: Invitae Variant Classification Sherloc (09022015). Collection method: clinical testing. Allele origin: germline.
Comment: This sequence change creates a premature translational stop signal (p.Asp44Argfs*40) in the AMHR2 gene. It is expected to result in an absent or disrupted protein product. This variant is not present in population databases (ExAC no frequency). This variant has not been reported in the literature in individuals with AMHR2-related disease. Loss-of-function variants in AMHR2 are known to be pathogenic (PMID: 8872466). For these reasons, this variant has been classified as Pathogenic.

Literature cited by the submitters: PubMed 8872466.